The following is an entry in ClinVar:

NM_001372044.2(SHANK3):c.2641C>A (p.Pro881Thr)

Gene: SHANK3 (SH3 and multiple ankyrin repeat domains 3; plus strand). Cytogenetic location: 22q13.33.
Variant type: single nucleotide variant.
Coding change: c.2641C>A on transcript NM_001372044.2 (MANE Select); coding-DNA position 2641, C replaced by A.
Protein change: p.Pro881Thr; replaces proline 881 with threonine.
Molecular consequence: missense variant.
Genome position (GRCh38, 1-based): chr22:50,720,249, C>A. VCF-style: chr22-50720249-C-A. GRCh37 (hg19) VCF-style: chr22-51158677-C-A.
Other names: c.2416C>A, p.Pro806Thr (NM_033517.1); short protein forms P806T, P881T.
Identifiers: ClinVar variation 2428956 (VCV002428956.4), dbSNP rs1280974174, ClinGen allele CA515258688.
Genomic context (GRCh38, chr22:50,720,249, plus strand): 5'-GACGAGAAGCTGGCGTCCCTGCTGGAAGGGCGCTTCCCGCGGAGCACCTCGATGCAAGAC[C>A]CGGTGCGCGAGGGTCGCGGCATCCCGCCCCCGCCGCAGACCGCGCCGCCTCCCCCGCCCG-3'
Protein context (NP_001358973.1, residues 871-891): RFPRSTSMQD[Pro881Thr]VREGRGIPPP

ClinVar aggregate classification (germline): Likely benign (1 of 4 stars; one submission).

Allele frequency attached by ClinVar (database versions not stated): gnomAD 0.00001.

Submission:

GeneDx
Classification: Likely benign. Last evaluated: 2023-05-10. Review status: criteria provided, single submitter. Criteria: GeneDx Variant Classification Process June 2021. Collection method: clinical testing. Allele origin: germline.
Comment: See Variant Classification Assertion Criteria.